The following is an entry in ClinVar:

ClinVar aggregate classification (germline): Conflicting classifications of pathogenicity. Review status: criteria provided, conflicting classifications (1 of 4 stars). 9 submissions from 8 submitters: Pathogenic (3); Likely pathogenic (3); Uncertain significance (2). 1 of the submissions does not count toward it. Last evaluated 2026-04-01.

Conditions:
ALOX12B-related disorder. Also called: ALOX12B-related condition.
Palmoplantar keratodermas.
Ichthyosis and erythrokeratoderma.
Autosomal recessive congenital ichthyosis 2 (ARCI2). Identifiers: Orphanet 281122, Orphanet 79394, MedGen C3888093, MONDO:0009439, OMIM 242100.

Allele frequency attached by ClinVar (database versions not stated): ExAC 0.00003; gnomAD exomes 0.00003; gnomAD 0.00004; TOPMed 0.00006.

Submissions (9):

CeGaT Center for Human Genetics Tuebingen
Classification: Pathogenic. Last evaluated: 2026-04-01. Review status: criteria provided, single submitter. Criteria: CeGaT Center For Human Genetics Tuebingen Variant Classification Criteria Version 2. Collection method: clinical testing. Allele origin: germline. Affected: yes. Observed: 2 variant alleles.
Comment: ALOX12B: PM3:Strong, PM2, PM5, PP4:Moderate

Genetics Laboratory, Great Ormond Street Hospital NHS Foundation Trust, North Thames Genomic Laboratory Hub
Classification: Uncertain significance for Ichthyosis and erythrokeratoderma. Last evaluated: 2025-09-24. Review status: criteria provided, single submitter. Criteria: ACGS Best Practice Guidelines for Variant Classification in Rare Disease 2024 v1.2. Collection method: clinical testing. Allele origin: germline. Affected: yes.
Comment: PM2_moderate, PP3_supporting, PM3_moderate

Genetics Laboratory, Great Ormond Street Hospital NHS Foundation Trust, North Thames Genomic Laboratory Hub
Classification: Uncertain significance for Palmoplantar keratodermas. Last evaluated: 2025-09-24. Review status: criteria provided, single submitter. Criteria: ACGS Best Practice Guidelines for Variant Classification in Rare Disease 2024 v1.2. Collection method: clinical testing. Allele origin: germline. Affected: yes.
Comment: the same text as in the submission from Genetics Laboratory, Great Ormond Street Hospital NHS Foundation Trust, North Thames Genomic Laboratory Hub above.

GeneDx
Classification: Likely pathogenic. Last evaluated: 2025-08-22. Review status: criteria provided, single submitter. Criteria: GeneDx Variant Classification Process June 2021. Collection method: clinical testing. Allele origin: germline. Affected: yes.
Comment: In silico analysis supports that this missense variant has a deleterious effect on protein structure/function; This variant is associated with the following publications: (PMID: 25998749, 31046801, 31589614, 37294112, 33435499)

Fulgent Genetics
Classification: Likely pathogenic for Autosomal recessive congenital ichthyosis 2. Last evaluated: 2024-05-09. Review status: criteria provided, single submitter. Criteria: ACMG Guidelines, 2015. Collection method: clinical testing. Allele origin: germline.

Blueprint Genetics
Classification: Pathogenic for ALOX12B-related disorders. Last evaluated: 2024-04-28. Review status: criteria provided, single submitter. Criteria: ACMG Guidelines, 2015. Collection method: clinical testing. Allele origin: germline. Affected: yes. Observed: 1 variant allele.

Mendelics
Classification: Likely pathogenic for Autosomal recessive congenital ichthyosis 2. Last evaluated: 2022-05-04. Review status: criteria provided, single submitter. Criteria: Mendelics Assertion Criteria 2019. Collection method: clinical testing. Allele origin: germline.

Baylor Genetics
Classification: Pathogenic for Autosomal recessive congenital ichthyosis 2. Last evaluated: 2019-10-04. Review status: criteria provided, single submitter. Criteria: ACMG Guidelines, 2015. Collection method: clinical testing. Allele origin: unknown. Affected: yes.
Comment: This variant was determined to be pathogenic according to ACMG Guidelines, 2015 [PMID:25741868].

Institute for Human Genetics, University Medical Center Freiburg
Classification: Pathogenic for Autosomal recessive congenital ichthyosis 2. Last evaluated: 2021-01-07. Review status: no assertion criteria provided. Collection method: clinical testing. Allele origin: unknown. Affected: yes. Not counted in ClinVar's aggregate classification.

Literature cited by the submitters: PubMed 25998749 (cited by Institute for Human Genetics, University Medical Center Freiburg).

NM_001139.3(ALOX12B):c.1156C>T (p.Arg386Cys)

Gene: ALOX12B (arachidonate 12-lipoxygenase, 12R type; minus strand). Cytogenetic location: 17p13.1.
Variant type: single nucleotide variant.
Coding change: c.1156C>T on transcript NM_001139.3 (MANE Select); coding-DNA position 1156, C replaced by T.
Protein change: p.Arg386Cys; replaces arginine 386 with cysteine.
Molecular consequence: missense variant.
Genome position (GRCh38, 1-based): chr17:8,077,109, G>A on the plus strand (C>T on the coding strand, the complement: ALOX12B is on the minus strand). VCF-style: chr17-8077109-G-A. GRCh37 (hg19) VCF-style: chr17-7980427-G-A.
Other names: c.1156C>T, p.Arg386Cys (LRG_1264t1); short protein forms R386C.
Identifiers: ClinVar variation 265038 (VCV000265038.32), dbSNP rs750066836, ClinGen allele CA8367385.